The following is an entry in ClinVar:

NM_000817.3(GAD1):c.1702A>T (p.Met568Leu)

Gene: GAD1 (glutamate decarboxylase 1; plus strand). Cytogenetic location: 2q31.1.
Variant type: single nucleotide variant.
Coding change: c.1702A>T on transcript NM_000817.3 (MANE Select); coding-DNA position 1702, A replaced by T.
Protein change: p.Met568Leu; replaces methionine 568 with leucine.
Molecular consequence: missense variant.
Genome position (GRCh38, 1-based): chr2:170,859,799, A>T. VCF-style: chr2-170859799-A-T. GRCh37 (hg19) VCF-style: chr2-171716309-A-T.
Other names: short protein forms M568L.
Identifiers: ClinVar variation 1980102 (VCV001980102.1), dbSNP rs375530557, ClinGen allele CA1963027.

ClinVar aggregate classification (germline): Uncertain significance (1 of 4 stars; one submission).

Conditions:
Neurodevelopmental disorder with progressive spasticity and brain white matter abnormalities. Also called: CEREBRAL PALSY, SPASTIC QUADRIPLEGIC, 1. Identifiers: Orphanet 210141, Orphanet 641353, MedGen C5436628, MONDO:0033613, OMIM 619026.

Allele frequency attached by ClinVar (database versions not stated): gnomAD exomes 0.00001; TOPMed 0.00002; ExAC 0.00001; gnomAD 0.00001; ESP Exome Variant Server 0.00008.
gnomAD v4.1: 18 of 1,613,996 alleles (0.0011%); highest among the groups gnomAD compares: Admixed American, 0.0017%; no homozygotes.

Submission:

Labcorp Genetics (formerly Invitae), Labcorp
Classification: Uncertain significance for Neurodevelopmental disorder with progressive spasticity and brain white matter abnormalities. Last evaluated: 2022-07-17. Review status: criteria provided, single submitter. Criteria: Invitae Variant Classification Sherloc (09022015). Collection method: clinical testing. Allele origin: germline.
Comment: This sequence change replaces methionine, which is neutral and non-polar, with leucine, which is neutral and non-polar, at codon 568 of the GAD1 protein (p.Met568Leu). This variant is present in population databases (rs375530557, gnomAD 0.0009%). This variant has not been reported in the literature in individuals affected with GAD1-related conditions. Algorithms developed to predict the effect of missense changes on protein structure and function are either unavailable or do not agree on the potential impact of this missense change (SIFT: "Tolerated"; PolyPhen-2: "Possibly Damaging"; Align-GVGD: "Class C0"). In summary, the available evidence is currently insufficient to determine the role of this variant in disease. Therefore, it has been classified as a Variant of Uncertain Significance.